The following is an entry in ClinVar:

NM_032043.3(BRIP1):c.3241G>A (p.Ala1081Thr)

Gene: BRIP1 (BRCA1 interacting DNA helicase 1; minus strand). Cytogenetic location: 17q23.2.
Variant type: single nucleotide variant.
Coding change: c.3241G>A on transcript NM_032043.3 (MANE Select); coding-DNA position 3241, G replaced by A.
Protein change: p.Ala1081Thr; replaces alanine 1081 with threonine.
Molecular consequence: missense variant.
Genome position (GRCh38, 1-based): chr17:61,683,805, C>T on the plus strand (G>A on the coding strand, the complement: BRIP1 is on the minus strand). VCF-style: chr17-61683805-C-T. GRCh37 (hg19) VCF-style: chr17-59761166-C-T.
Other names: short protein forms A1081T.
Identifiers: ClinVar variation 628191 (VCV000628191.15), dbSNP rs1567728640, ClinGen allele CA400479166.

ClinVar aggregate classification (germline): Uncertain significance. Review status: criteria provided, multiple submitters, no conflicts (2 of 4 stars). 3 submissions from 3 submitters: Uncertain significance (3). Last evaluated 2024-09-15.

Conditions:
Familial cancer of breast. Also called: BREAST CANCER, FAMILIAL; Hereditary breast cancer; hereditary breast carcinoma. Identifiers: Orphanet 227535, MedGen C0346153, MONDO:0016419, OMIM 114480. Disease mechanism: loss of function.
Fanconi anemia complementation group J. Also called: BRIP1-Related Fanconi Anemia. Identifiers: Orphanet 84, MedGen C1836860, MONDO:0012187, OMIM 609054.
Hereditary cancer-predisposing syndrome. Also called: Tumor predisposition; Neoplastic Syndromes, Hereditary; Hereditary Cancer Syndrome; Hereditary neoplastic syndrome. Identifiers: Orphanet 140162, MedGen C0027672, MeSH D009386, MONDO:0015356.

Allele frequency attached by ClinVar (database versions not stated): gnomAD exomes below 0.00001; TOPMed below 0.00001.
gnomAD v4.1: 1 of 1,614,160 alleles (0.000062%); highest among the groups gnomAD compares: Non-Finnish European, 0.000085%; no homozygotes.

Submissions (3):

Ambry Genetics
Classification: Uncertain significance for Hereditary cancer-predisposing syndrome. Last evaluated: 2024-09-15. Review status: criteria provided, single submitter. Criteria: Ambry Variant Classification Scheme 2023. Collection method: clinical testing. Allele origin: germline.
Comment: The p.A1081T variant (also known as c.3241G>A), located in coding exon 19 of the BRIP1 gene, results from a G to A substitution at nucleotide position 3241. The alanine at codon 1081 is replaced by threonine, an amino acid with similar properties. This amino acid position is conserved. In addition, this alteration is predicted to be tolerated by in silico analysis. Based on the available evidence, the clinical significance of this variant remains unclear.

Color Diagnostics, LLC DBA Color Health
Classification: Uncertain significance for Hereditary cancer-predisposing syndrome. Last evaluated: 2023-12-05. Review status: criteria provided, single submitter. Criteria: ACMG Guidelines, 2015. Collection method: clinical testing. Allele origin: germline.
Comment: This missense variant replaces alanine with threonine at codon 1081 of the BRIP1 protein. Computational prediction suggests that this variant may not impact protein structure and function (internally defined REVEL score threshold <= 0.5, PMID: 27666373). To our knowledge, functional studies have not been reported for this variant. This variant has not been reported in individuals affected with BRIP1-related disorders in the literature. This variant has not been identified in the general population by the Genome Aggregation Database (gnomAD). The available evidence is insufficient to determine the role of this variant in disease conclusively. Therefore, this variant is classified as a Variant of Uncertain Significance.

Labcorp Genetics (formerly Invitae), Labcorp
Classification: Uncertain significance for Familial cancer of breast; Fanconi anemia complementation group J. Last evaluated: 2022-12-20. Review status: criteria provided, single submitter. Criteria: Invitae Variant Classification Sherloc (09022015). Collection method: clinical testing. Allele origin: germline.
Comment: In summary, the available evidence is currently insufficient to determine the role of this variant in disease. Therefore, it has been classified as a Variant of Uncertain Significance. Algorithms developed to predict the effect of missense changes on protein structure and function output the following: SIFT: "Tolerated"; PolyPhen-2: "Benign"; Align-GVGD: "Class C0". The threonine amino acid residue is found in multiple mammalian species, which suggests that this missense change does not adversely affect protein function. ClinVar contains an entry for this variant (Variation ID: 628191). This variant has not been reported in the literature in individuals affected with BRIP1-related conditions. This variant is not present in population databases (gnomAD no frequency). This sequence change replaces alanine, which is neutral and non-polar, with threonine, which is neutral and polar, at codon 1081 of the BRIP1 protein (p.Ala1081Thr).